The following is an entry in ClinVar:

ClinVar aggregate classification (germline): Benign/Likely benign. Review status: criteria provided, multiple submitters, no conflicts (2 of 4 stars). 4 submissions from 4 submitters: Benign (1); Likely benign (3). Last evaluated 2026-05-06.

Conditions:
MLH3-related disorder. Also called: MLH3-related condition.
Colorectal cancer, hereditary nonpolyposis, type 7. Identifiers: Orphanet 144, MedGen C1858380, MONDO:0013725, OMIM 614385.

Allele frequency attached by ClinVar (database versions not stated): gnomAD exomes below 0.00001; TOPMed below 0.00001.
gnomAD v4.1: 2 of 1,614,214 alleles (0.00012%); highest among the groups gnomAD compares: South Asian, 0.0011%; no homozygotes.

Submissions (4):

Myriad Genetics, Inc.
Classification: Benign for Colorectal cancer, hereditary nonpolyposis, type 7. Last evaluated: 2026-05-06. Review status: criteria provided, single submitter. Criteria: Myriad Autosomal Dominant, Autosomal Recessive and X-Linked Classification Criteria (2023). Collection method: clinical testing. Allele origin: unknown.
Comment: This variant is considered benign. This variant is a silent/synonymous amino acid change and it is not expected to impact splicing.

PreventionGenetics, part of Exact Sciences
Classification: Likely benign for MLH3-related condition. Last evaluated: 2025-08-17. Review status: criteria provided, single submitter. Criteria: ACMG Guidelines, 2015. Collection method: clinical testing. Allele origin: germline.
Comment: This variant is classified as likely benign based on ACMG/AMP sequence variant interpretation guidelines (Richards et al. 2015 PMID: 25741868, with internal and published modifications).

Labcorp Genetics (formerly Invitae), Labcorp
Classification: Likely benign for Colorectal cancer, hereditary nonpolyposis, type 7. Last evaluated: 2024-02-01. Review status: criteria provided, single submitter. Criteria: Invitae Variant Classification Sherloc (09022015). Collection method: clinical testing. Allele origin: germline.

Ambry Genetics
Classification: Likely benign. Last evaluated: 2021-07-04. Review status: criteria provided, single submitter. Criteria: Ambry Variant Classification Scheme 2023. Collection method: clinical testing. Allele origin: germline.

NM_001040108.2(MLH3):c.4107T>C (p.Asn1369=)

Gene: MLH3 (mutL homolog 3; minus strand). Cytogenetic location: 14q24.3.
Variant type: single nucleotide variant.
Coding change: c.4107T>C on transcript NM_001040108.2 (MANE Select); coding-DNA position 4107, T replaced by C.
Protein change: p.Asn1369=; no amino-acid change (asparagine 1369 retained).
Molecular consequence: synonymous variant.
Genome position (GRCh38, 1-based): chr14:75,018,964, A>G on the plus strand (T>C on the coding strand, the complement: MLH3 is on the minus strand). VCF-style: chr14-75018964-A-G. GRCh37 (hg19) VCF-style: chr14-75485667-A-G.
Other names: c.4035T>C, p.Asn1345= (NM_014381.3).
Identifiers: ClinVar variation 730548 (VCV000730548.10), dbSNP rs1595024075, ClinGen allele CA487175063.